The following is an entry in ClinVar:

NM_000135.4(FANCA):c.3138C>T (p.His1046=)

Gene: FANCA (FA complementation group A; minus strand). Cytogenetic location: 16q24.3.
Variant type: single nucleotide variant.
Coding change: c.3138C>T on transcript NM_000135.4 (MANE Select); coding-DNA position 3138, C replaced by T.
Protein change: p.His1046=; no amino-acid change (histidine 1046 retained).
Molecular consequence: synonymous variant.
Genome position (GRCh38, 1-based): chr16:89,749,831, G>A on the plus strand (C>T on the coding strand, the complement: FANCA is on the minus strand). VCF-style: chr16-89749831-G-A. GRCh37 (hg19) VCF-style: chr16-89816239-G-A.
Other names: c.3138C>T, p.His1046= (NM_001286167.3); c.3138C>T (NM_000135.3, LRG_495t1).
Identifiers: ClinVar variation 321341 (VCV000321341.45), dbSNP rs150884376, ClinGen allele CA8251322.
Genomic context (GRCh38, chr16:89,749,831, plus strand): 5'-AGCCACGCTCCACCCGCTTGTCAGAGCCTGGAGCCGTCTGCGGAAAATCTCAAAGAGGAA[G>A]TGCTCCTGGGAAGGGGTGTGGCCGAGAGGCACTATGAGGTCTTGCTGCAGCTCCAGGTCA-3'
Protein context (NP_000126.2, residues 1036-1056): VPLGHTPSQE[His1046=]FLFEIFRRRL

ClinVar aggregate classification (germline): Conflicting classifications of pathogenicity. Review status: criteria provided, conflicting classifications (1 of 4 stars). 8 submissions from 8 submitters: Uncertain significance (1); Likely benign (6). 1 of the submissions does not count toward it. Last evaluated 2026-01-11.

Conditions:
Inborn genetic diseases. Identifiers: MedGen C0950123, MeSH D030342.
Fanconi anemia complementation group A (FANCA). Also called: Fanconi anemia, group A; FANCA-Related Fanconi Anemia. Identifiers: Orphanet 84, MedGen C3469521, MONDO:0009215, OMIM 227650.
Fanconi anemia (FA). Also called: Fanconi's anemia. Identifiers: Orphanet 84, MedGen C0015625, MeSH D005199, MONDO:0019391.

Allele frequency attached by ClinVar (database versions not stated): ExAC 0.00009; gnomAD 0.00009; gnomAD exomes 0.00011; TOPMed 0.00012; ESP Exome Variant Server 0.00015.
gnomAD v4.1: 226 of 1,614,114 alleles (0.014%); highest among the groups gnomAD compares: Admixed American, 0.02%; no homozygotes.

Submissions (8):

Labcorp Genetics (formerly Invitae), Labcorp
Classification: Likely benign for Fanconi anemia. Last evaluated: 2026-01-11. Review status: criteria provided, single submitter. Criteria: Invitae Variant Classification Sherloc (09022015). Collection method: clinical testing. Allele origin: germline.

Ambry Genetics
Classification: Likely benign for Inborn genetic diseases. Last evaluated: 2024-10-05. Review status: criteria provided, single submitter. Criteria: Ambry Variant Classification Scheme 2023. Collection method: clinical testing. Allele origin: germline.

CeGaT Center for Human Genetics Tuebingen
Classification: Likely benign. Last evaluated: 2024-08-01. Review status: criteria provided, single submitter. Criteria: CeGaT Center For Human Genetics Tuebingen Variant Classification Criteria Version 2. Collection method: clinical testing. Allele origin: germline. Affected: yes. Observed: 3 variant alleles.
Comment: FANCA: BP4, BP7

Blueprint Genetics
Classification: Likely benign. Last evaluated: 2023-12-11. Review status: criteria provided, single submitter. Criteria: ACMG Guidelines, 2015. Collection method: clinical testing. Allele origin: germline.

Quest Diagnostics Nichols Institute San Juan Capistrano
Classification: Likely benign. Last evaluated: 2023-08-16. Review status: criteria provided, single submitter. Criteria: Quest Diagnostics criteria. Collection method: clinical testing. Allele origin: unknown.

Sema4
Classification: Likely benign for Fanconi anemia. Last evaluated: 2021-11-24. Review status: criteria provided, single submitter. Criteria: Sema4 Curation Guidelines. Collection method: curation. Allele origin: germline.

Illumina Laboratory Services, Illumina
Classification: Uncertain significance for Fanconi anemia complementation group A. Last evaluated: 2018-01-13. Review status: criteria provided, single submitter. Criteria: ICSL Variant Classification Criteria 13 December 2019. Collection method: clinical testing. Allele origin: germline.

Natera, Inc.
Classification: Likely benign for Fanconi anemia, group A. Last evaluated: 2020-06-03. Review status: no assertion criteria provided. Collection method: clinical testing. Allele origin: germline. Not counted in ClinVar's aggregate classification.